The following is an entry in ClinVar:

NM_182961.4(SYNE1):c.5441A>G (p.Glu1814Gly)

Gene: SYNE1 (spectrin repeat containing nuclear envelope protein 1; minus strand). Cytogenetic location: 6q25.2.
Variant type: single nucleotide variant.
Coding change: c.5441A>G on transcript NM_182961.4 (MANE Select); coding-DNA position 5441, A replaced by G.
Protein change: p.Glu1814Gly; replaces glutamic acid 1814 with glycine.
Molecular consequence: missense variant.
Genome position (GRCh38, 1-based): chr6:152,416,996, T>C on the plus strand (A>G on the coding strand, the complement: SYNE1 is on the minus strand). VCF-style: chr6-152416996-T-C. GRCh37 (hg19) VCF-style: chr6-152738131-T-C.
Other names: c.5462A>G, p.Glu1821Gly (NM_033071.5); short protein forms E1814G, E1821G.
Identifiers: ClinVar variation 284690 (VCV000284690.54), dbSNP rs557081125, ClinGen allele CA4058268.

ClinVar aggregate classification (germline): Uncertain significance. Review status: criteria provided, multiple submitters, no conflicts (2 of 4 stars). 6 submissions from 6 submitters: Uncertain significance (6). Last evaluated 2025-12-01.

Conditions:
Emery-Dreifuss muscular dystrophy 4, autosomal dominant (EDMD4). Also called: EMERY-DREIFUSS MUSCULAR DYSTROPHY 4 WITH VARIABLE FEATURES. Identifiers: Orphanet 261, MedGen C2751807, MONDO:0013071, OMIM 612998.
Autosomal recessive ataxia, Beauce type. Also called: SYNE1 Deficiency; SYNE1-Related Autosomal Recessive Cerebellar Ataxia; ATAXIA, RECESSIVE, OF BEAUCE; Spinocerebellar ataxia, autosomal recessive 8. Identifiers: Orphanet 88644, MedGen C1853116, MONDO:0012549, OMIM 610743.

Allele frequency attached by ClinVar (database versions not stated): ExAC 0.00017; 1000 Genomes Project 0.00020; 1000 Genomes Project 30x 0.00031; TOPMed 0.00003; gnomAD 0.00005 and 0.00006; gnomAD exomes 0.00008 and 0.00013.
gnomAD v4.1: 137 of 1,614,206 alleles (0.0085%); highest among the groups gnomAD compares: Middle Eastern, 0.066%; no homozygotes.

Submissions (6):

CeGaT Center for Human Genetics Tuebingen
Classification: Uncertain significance. Last evaluated: 2025-12-01. Review status: criteria provided, single submitter. Criteria: CeGaT Center For Human Genetics Tuebingen Variant Classification Criteria Version 2. Collection method: clinical testing. Allele origin: germline. Affected: yes. Observed: 3 variant alleles.
Comment: SYNE1: PM2, BP4

Women's Health and Genetics/Laboratory Corporation of America, LabCorp
Classification: Uncertain significance. Last evaluated: 2024-06-20. Review status: criteria provided, single submitter. Criteria: LabCorp Variant Classification Summary - May 2015. Collection method: clinical testing. Allele origin: germline.
Comment: Variant summary: SYNE1 c.5462A>G (p.Glu1821Gly) results in a non-conservative amino acid change in the encoded protein sequence. Three of five in-silico tools predict a benign effect of the variant on protein function. The variant allele was found at a frequency of 0.00013 in 251028 control chromosomes. This frequency is not significantly higher than estimated for a pathogenic variant in SYNE1 causing SYNE1-Related Disorders, allowing no conclusion about variant significance. c.5462A>G has been reported in the literature in at least one homozygous individual affected with spastic paraplegia and ataxia with other clinical features who carried at least one other variant related to the phenotype in the homozygous state (e.g. Inan_2023). This report does not provide unequivocal conclusions about association of the variant with SYNE1-Related Disorders. To our knowledge, no experimental evidence demonstrating an impact on protein function has been reported. The following publication has been ascertained in the context of this evaluation (PMID: 35789476). ClinVar contains an entry for this variant (Variation ID: 284690). Based on the evidence outlined above, the variant was classified as uncertain significance.

Revvity Omics, Revvity
Classification: Uncertain significance. Last evaluated: 2024-01-30. Review status: criteria provided, single submitter. Criteria: ACMG Guidelines, 2015. Collection method: clinical testing. Allele origin: germline.

Labcorp Genetics (formerly Invitae), Labcorp
Classification: Uncertain significance for Emery-Dreifuss muscular dystrophy 4, autosomal dominant; Autosomal recessive ataxia, Beauce type. Last evaluated: 2022-07-06. Review status: criteria provided, single submitter. Criteria: Invitae Variant Classification Sherloc (09022015). Collection method: clinical testing. Allele origin: germline.
Comment: This sequence change replaces glutamic acid, which is acidic and polar, with glycine, which is neutral and non-polar, at codon 1821 of the SYNE1 protein (p.Glu1821Gly). This variant is present in population databases (rs557081125, gnomAD 0.05%). This variant has not been reported in the literature in individuals affected with SYNE1-related conditions. ClinVar contains an entry for this variant (Variation ID: 284690). Algorithms developed to predict the effect of missense changes on protein structure and function are either unavailable or do not agree on the potential impact of this missense change (SIFT: "Deleterious"; PolyPhen-2: "Benign"; Align-GVGD: "Class C65"). In summary, the available evidence is currently insufficient to determine the role of this variant in disease. Therefore, it has been classified as a Variant of Uncertain Significance.

Athena Diagnostics
Classification: Uncertain significance. Last evaluated: 2017-12-30. Review status: criteria provided, single submitter. Criteria: Athena Diagnostics Criteria. Collection method: clinical testing. Allele origin: germline.

Eurofins Ntd Llc (ga)
Classification: Uncertain significance. Last evaluated: 2015-11-06. Review status: criteria provided, single submitter. Criteria: EGL Classification Definitions 2015. Collection method: clinical testing. Allele origin: germline. Observed: 2 variant alleles, 2 heterozygotes.

Literature cited by the submitters: PubMed 35789476 (cited by Women's Health and Genetics/Laboratory Corporation of America, LabCorp).